The following is an entry in ClinVar:

NM_001042492.3(NF1):c.4486C>A (p.Leu1496Ile)

Gene: NF1 (neurofibromin 1; plus strand). Cytogenetic location: 17q11.2.
Variant type: single nucleotide variant.
Coding change: c.4486C>A on transcript NM_001042492.3 (MANE Select); coding-DNA position 4486, C replaced by A.
Protein change: p.Leu1496Ile; replaces leucine 1496 with isoleucine.
Molecular consequence: missense variant.
Genome position (GRCh38, 1-based): chr17:31,260,424, C>A. VCF-style: chr17-31260424-C-A. GRCh37 (hg19) VCF-style: chr17-29587442-C-A.
Other names: c.4423C>A, p.Leu1475Ile (NM_000267.4); short protein forms L1475I, L1496I.
Identifiers: ClinVar variation 1740495 (VCV001740495.3), dbSNP rs1555618823, ClinGen allele CA398999423.

ClinVar aggregate classification (germline): Uncertain significance. Review status: criteria provided, multiple submitters, no conflicts (2 of 4 stars). 2 submissions from 2 submitters: Uncertain significance (2). Last evaluated 2023-11-03.

Conditions:
Cardiovascular phenotype. Identifiers: MedGen CN230736.
Hereditary cancer-predisposing syndrome. Also called: Hereditary Cancer Syndrome; Hereditary neoplastic syndrome; Neoplastic Syndromes, Hereditary; Tumor predisposition. Identifiers: Orphanet 140162, MedGen C0027672, MeSH D009386, MONDO:0015356.
Juvenile myelomonocytic leukemia (JMML). Also called: LEUKEMIA, JUVENILE MYELOMONOCYTIC, SOMATIC. Identifiers: Orphanet 86834, MedGen C0349639, MONDO:0011908, OMIM 607785, HP:0012209.

Submissions (2):

Baylor Genetics
Classification: Uncertain significance for Juvenile myelomonocytic leukemia. Last evaluated: 2023-11-03. Review status: criteria provided, single submitter. Criteria: ACMG Guidelines, 2015. Collection method: clinical testing. Allele origin: unknown.

Ambry Genetics
Classification: Uncertain significance for Cardiovascular phenotype; Hereditary cancer-predisposing syndrome. Last evaluated: 2021-01-22. Review status: criteria provided, single submitter. Criteria: Ambry Variant Classification Scheme 2023. Collection method: clinical testing. Allele origin: germline.
Comment: The p.L1475I variant (also known as c.4423C>A), located in coding exon 33 of the NF1 gene, results from a C to A substitution at nucleotide position 4423. The leucine at codon 1475 is replaced by isoleucine, an amino acid with highly similar properties. This amino acid position is highly conserved in available vertebrate species. In addition, the in silico prediction for this alteration is inconclusive. Since supporting evidence is limited at this time, the clinical significance of this alteration remains unclear.